The following is an entry in ClinVar:

GRCh38/hg38 16q23.1-24.3(chr16:78816291-90081985)x3

Genes: MAF (MAF bZIP transcription factor; minus strand), MAFTRR (MAF transcriptional regulator RNA; minus strand), MAP1LC3B (microtubule associated protein 1 light chain 3 beta; plus strand), MBTPS1 (membrane bound transcription factor peptidase, site 1; minus strand), MBTPS1-DT (MBTPS1 divergent transcript; plus strand) and 721 more. Cytogenetic location: 16q23.1-24.3.
Variant type: copy number gain.
Change: copy number 3 (three copies instead of two) of chr16:78,816,291-90,081,985 (11.27 Mb, GRCh38 coordinates, 1-based), cytogenetic band 16q23.1-24.3.
Identifiers: ClinVar variation 57187 (VCV000057187.1).

ClinVar aggregate classification (germline): Pathogenic (1 of 4 stars; one submission).

Submission:

ISCA site 4
Classification: Pathogenic. Last evaluated: 2011-08-12. Review status: criteria provided, single submitter. Criteria: Kaminsky et al. (Genet Med. 2011). Collection method: clinical testing. Allele origin: unknown. Affected: yes. Observed: 1 variant allele.
Comment: Copy number variation identified through the course of routine clinical cytogenomic testing in postnatal populations. Clinical assertions have been curated as described in Kaminsky et al. 2011.